The following is an entry in ClinVar:

NM_015047.3(EMC1):c.786+6A>G

Genes: EMC1-AS1 (EMC1 antisense RNA 1; plus strand), EMC1 (ER membrane protein complex subunit 1; minus strand). Cytogenetic location: 1p36.13.
Variant type: single nucleotide variant.
Coding change: c.786+6A>G on transcript NM_015047.3 (MANE Select); 6 bases into the intron after coding-DNA position 786, A replaced by G.
Molecular consequence: intron variant. On other transcripts: non-coding transcript variant (1).
Genome position (GRCh38, 1-based): chr1:19,240,291, T>C on the plus strand (A>G on the coding strand, the complement: EMC1 is on the minus strand). VCF-style: chr1-19240291-T-C. GRCh37 (hg19) VCF-style: chr1-19566785-T-C.
Other names: c.720+6A>G (NM_001271429.2); c.786+6A>G (NM_001271427.2, NM_001375821.1, NM_001271428.2 and 1 more transcripts).
Identifiers: ClinVar variation 4799160 (VCV004799160.1).

ClinVar aggregate classification (germline): Uncertain significance (1 of 4 stars; one submission).

gnomAD v4.1: 1 of 1,614,150 alleles (0.000062%); highest among the groups gnomAD compares: Non-Finnish European, 0.000085%; no homozygotes.

Submission:

Labcorp Genetics (formerly Invitae), Labcorp
Classification: Uncertain significance. Last evaluated: 2025-03-20. Review status: criteria provided, single submitter. Criteria: Invitae Variant Classification Sherloc (09022015). Collection method: clinical testing. Allele origin: germline.
Comment: This sequence change falls in intron 7 of the EMC1 gene. It does not directly change the encoded amino acid sequence of the EMC1 protein. It affects a nucleotide within the consensus splice site. This variant is not present in population databases (gnomAD no frequency). This variant has not been reported in the literature in individuals affected with EMC1-related conditions. Variants that disrupt the consensus splice site are a relatively common cause of aberrant splicing (PMID: 17576681, 9536098). Algorithms developed to predict the effect of sequence changes on RNA splicing suggest that this variant is not likely to affect RNA splicing. In summary, the available evidence is currently insufficient to determine the role of this variant in disease. Therefore, it has been classified as a Variant of Uncertain Significance.

Literature cited by the submitters: PubMed 17576681; PubMed 9536098.